The following is an entry in ClinVar:

NM_001394372.1(BICRA):c.1887dup (p.Ala630fs)

Gene: BICRA (BRD4 interacting chromatin remodeling complex associated protein; plus strand). Cytogenetic location: 19q13.33.
Variant type: Duplication.
Coding change: c.1887dup on transcript NM_001394372.1 (MANE Select); coding-DNA position 1887, one base duplicated (C; older notation c.1887dupC).
Protein change: p.Ala630fs; shifts the reading frame from alanine 630.
Molecular consequence: frameshift variant.
Genome position (GRCh38, 1-based): chr19:47,681,057, C duplicated; the last of 6 consecutive C bases (chr19:47,681,052-47,681,057); duplicating any one gives the same sequence. VCF-style (leftmost placement, unchanged base first): chr19-47681051-G-GC. GRCh37 (hg19) VCF-style: chr19-48184308-G-GC.
Other names: c.1887dup, p.Ala630fs (NM_015711.3); short protein forms A630fs.
Identifiers: ClinVar variation 3765885 (VCV003765885.2).
Genomic context (GRCh38, chr19:47,681,051, plus strand): 5'-CCCTGCCGCTGCCACCGGGGAGGCCGCGCCTGTCCTCACGGTGCAGCCTGCCCCCCAGGC[G>GC]CCCCCCGCGGTCAGCACACCCCTGCCCCTGGGCCTCCAGCAGCCGCAGGCGCAGCAGCCC-3'

ClinVar aggregate classification (germline): Pathogenic/Likely pathogenic. Review status: criteria provided, multiple submitters, no conflicts (2 of 4 stars). 2 submissions from 2 submitters: Pathogenic (1); Likely pathogenic (1). Last evaluated 2026-02-01.

Conditions:
Coffin-Siris syndrome 12. Identifiers: MedGen C5444111, MONDO:0025699, OMIM 619325.

Submissions (2):

GeneDx
Classification: Pathogenic. Last evaluated: 2026-02-01. Review status: criteria provided, single submitter. Criteria: GeneDx Variant Classification Process June 2021. Collection method: clinical testing. Allele origin: germline.
Comment: Frameshift variant predicted to result in protein truncation or nonsense mediated decay in a gene for which loss of function is a known mechanism of disease; Not observed at significant frequency in large population cohorts (gnomAD); Has not been previously published as pathogenic or benign to our knowledge

Greenwood Genetic Center Diagnostic Laboratories, Greenwood Genetic Center
Classification: Likely pathogenic for Coffin-Siris syndrome 12. Last evaluated: 2024-08-01. Review status: criteria provided, single submitter. Criteria: ACMG Guidelines, 2015. Collection method: clinical testing. Allele origin: germline. Affected: yes.
Comment: PVS1, PM2